The following is an entry in ClinVar:

NM_017988.6(SCYL2):c.1986C>T (p.Ser662=)

Gene: SCYL2 (SCY1 like pseudokinase 2; plus strand). Cytogenetic location: 12q23.1.
Variant type: single nucleotide variant.
Coding change: c.1986C>T on transcript NM_017988.6 (MANE Select); coding-DNA position 1986, C replaced by T.
Protein change: p.Ser662=; no amino-acid change (serine 662 retained).
Molecular consequence: synonymous variant.
Genome position (GRCh38, 1-based): chr12:100,335,867, C>T. VCF-style: chr12-100335867-C-T. GRCh37 (hg19) VCF-style: chr12-100729645-C-T.
Other names: c.1986C>T, p.Ser662= (NM_001317784.2); c.1998C>T, p.Ser666= (NM_001330253.2, NM_001330254.2); c.1479C>T, p.Ser493= (NM_001330256.2).
Identifiers: ClinVar variation 4982726 (VCV004982726.1).

ClinVar aggregate classification (germline): Likely benign (1 of 4 stars; one submission).

Conditions:
SCYL2-related disorder. Also called: SCYL2-related condition.

gnomAD v4.1: 113 of 1,612,994 alleles (0.007%); highest among the groups gnomAD compares: Admixed American, 0.01%; no homozygotes.

Submission:

PreventionGenetics, part of Exact Sciences
Classification: Likely benign for SCYL2-related condition. Last evaluated: 2025-11-03. Review status: criteria provided, single submitter. Criteria: ACMG Guidelines, 2015. Collection method: clinical testing. Allele origin: germline.
Comment: This variant is classified as likely benign based on ACMG/AMP sequence variant interpretation guidelines (Richards et al. 2015 PMID: 25741868, with internal and published modifications).